The following is an entry in ClinVar:

NC_000013.10:g.(?_100861566)_(100861737_?)del

Gene: PCCA (propionyl-CoA carboxylase subunit alpha; plus strand). Cytogenetic location: 13q32.3.
Variant type: Deletion.
Identifiers: ClinVar variation 1019419 (VCV001019419.5).

ClinVar aggregate classification (germline): Uncertain significance (1 of 4 stars; one submission).

Conditions:
Propionic acidemia (PROP). Also called: GLYCINEMIA, KETOTIC; HYPERGLYCINEMIA WITH KETOACIDOSIS AND LEUKOPENIA; KETOTIC HYPERGLYCINEMIA. Identifiers: Orphanet 35, MedGen C0268579, MONDO:0011628, OMIM 606054, HP:0003571.

Submission:

Labcorp Genetics (formerly Invitae), Labcorp
Classification: Uncertain significance for Propionic acidemia. Last evaluated: 2018-03-04. Review status: criteria provided, single submitter. Criteria: Invitae Variant Classification Sherloc (09022015). Collection method: clinical testing. Allele origin: germline.
Comment: This variant is an in-frame deletion of the genomic region encompassing exon 7 of the PCCA gene. It preserves the integrity of the reading frame. This variant has not been reported in the literature in individuals with PCCA-related disease. However, an individual affected with propionic acidemia was reported with a skipping of exon 7 in the mRNA sequence, although the corresponding genomic variant was not detected (PMID: 15059621). In summary, the available evidence is currently insufficient to determine the role of this variant in disease. Therefore, it has been classified as a Variant of Uncertain Significance. Experimental studies and prediction algorithms are not available for this variant, and the functional significance of the deleted amino acids is currently unknown.

Literature cited by the submitters: PubMed 15059621.